The following is an entry in ClinVar:

NM_001429.4(EP300):c.3621G>A (p.Glu1207=)

Gene: EP300 (EP300 lysine acetyltransferase; plus strand). Cytogenetic location: 22q13.2.
Variant type: single nucleotide variant.
Coding change: c.3621G>A on transcript NM_001429.4 (MANE Select); coding-DNA position 3621, G replaced by A.
Protein change: p.Glu1207=; no amino-acid change (glutamic acid 1207 retained).
Molecular consequence: synonymous variant.
Genome position (GRCh38, 1-based): chr22:41,160,672, G>A. VCF-style: chr22-41160672-G-A. GRCh37 (hg19) VCF-style: chr22-41556676-G-A.
Other names: c.3543G>A, p.Glu1181= (NM_001362843.2).
Identifiers: ClinVar variation 4979531 (VCV004979531.1).

ClinVar aggregate classification (germline): Likely benign (1 of 4 stars; one submission).

Conditions:
EP300-related disorder. Also called: EP300-related condition; EP300-related disorders.

Submission:

PreventionGenetics, part of Exact Sciences
Classification: Likely benign for EP300-related condition. Last evaluated: 2025-09-04. Review status: criteria provided, single submitter. Criteria: ACMG Guidelines, 2015. Collection method: clinical testing. Allele origin: germline.
Comment: This variant is classified as likely benign based on ACMG/AMP sequence variant interpretation guidelines (Richards et al. 2015 PMID: 25741868, with internal and published modifications).